The following is an entry in ClinVar:

ClinVar aggregate classification (germline): Benign. Review status: criteria provided, multiple submitters, no conflicts (2 of 4 stars). 9 submissions from 8 submitters: Benign (9). Last evaluated 2026-02-03.

Conditions:
Bietti crystalline corneoretinal dystrophy (BCD). Also called: Bietti Crystalline Dystrophy; BIETTI TAPETORETINAL DEGENERATION WITH MARGINAL CORNEAL DYSTROPHY. Identifiers: Orphanet 41751, MedGen C1859486, MONDO:0008865, OMIM 210370.
Corneal dystrophy. Identifiers: Orphanet 34533, MedGen C0010036, MONDO:0018102, HP:0001131.

Allele frequency attached by ClinVar (database versions not stated): 1000 Genomes Project 0.29233; gnomAD exomes 0.33377 and 0.38002; ExAC 0.33771; TOPMed 0.34658; gnomAD 0.35584 and 0.36293; ESP Exome Variant Server 0.36752.

Submissions (9):

Labcorp Genetics (formerly Invitae), Labcorp
Classification: Benign. Last evaluated: 2026-02-03. Review status: criteria provided, single submitter. Criteria: Invitae Variant Classification Sherloc (09022015). Collection method: clinical testing. Allele origin: germline.

Blueprint Genetics
Classification: Benign. Last evaluated: 2024-11-26. Review status: criteria provided, single submitter. Criteria: ACMG Guidelines, 2015. Collection method: clinical testing. Allele origin: germline.

Genome-Nilou Lab
Classification: Benign for Bietti crystalline corneoretinal dystrophy. Last evaluated: 2021-07-30. Review status: criteria provided, single submitter. Criteria: ACMG Guidelines, 2015. Collection method: clinical testing. Allele origin: germline. Affected: no.

GeneDx
Classification: Benign. Last evaluated: 2021-05-04. Review status: criteria provided, single submitter. Criteria: GeneDx Variant Classification Process June 2021. Collection method: clinical testing. Allele origin: germline. Affected: yes.

Illumina Laboratory Services, Illumina
Classification: Benign for Bietti crystalline corneoretinal dystrophy. Last evaluated: 2018-01-13. Review status: criteria provided, single submitter. Criteria: ICSL Variant Classification Criteria 13 December 2019. Collection method: clinical testing. Allele origin: germline.
Comment: This variant was observed in the ICSL laboratory as part of a predisposition screen in an ostensibly healthy population. It had not been previously curated by ICSL or reported in the Human Gene Mutation Database (HGMD: prior to June 1st, 2018), and was therefore a candidate for classification through an automated scoring system. Utilizing variant allele frequency, disease prevalence and penetrance estimates, and inheritance mode, an automated score was calculated to assess if this variant is too frequent to cause the disease. Based on the score and internal cut-off values, a variant classified as benign is not then subjected to further curation. The score for this variant resulted in a classification of benign for this disease.

Illumina Laboratory Services, Illumina
Classification: Benign for Corneal dystrophy. Last evaluated: 2018-01-13. Review status: criteria provided, single submitter. Criteria: ICSL Variant Classification Criteria 13 December 2019. Collection method: clinical testing. Allele origin: germline.
Comment: the same text as in the submission from Illumina Laboratory Services, Illumina above.

Eurofins Ntd Llc (ga)
Classification: Benign. Last evaluated: 2014-03-17. Review status: criteria provided, single submitter. Criteria: EGL Classification Definitions 2015. Collection method: clinical testing. Allele origin: germline. Observed: 3 variant alleles, 2 heterozygotes, 1 homozygote.

Breakthrough Genomics
Classification: Benign. Review status: criteria provided, single submitter. Criteria: ACMG Guidelines, 2015. Collection method: not provided. Allele origin: germline. Inheritance: Autosomal recessive inheritance. Affected: yes.

PreventionGenetics, part of Exact Sciences
Classification: Benign. Review status: criteria provided, single submitter. Criteria: ACMG Guidelines, 2015. Collection method: clinical testing. Allele origin: germline.

NM_207352.4(CYP4V2):c.802-7C>T

Gene: CYP4V2 (cytochrome P450 family 4 subfamily V member 2; plus strand). Cytogenetic location: 4q35.2.
Variant type: single nucleotide variant.
Coding change: c.802-7C>T on transcript NM_207352.4 (MANE Select); 7 bases into the intron before coding-DNA position 802, C replaced by T.
Molecular consequence: intron variant.
Genome position (GRCh38, 1-based): chr4:186,201,150, C>T. VCF-style: chr4-186201150-C-T. GRCh37 (hg19) VCF-style: chr4-187122304-C-T.
Identifiers: ClinVar variation 166975 (VCV000166975.24), dbSNP rs3817184, ClinGen allele CA179957.